The following is an entry in ClinVar:

ClinVar aggregate classification (germline): Likely pathogenic (1 of 4 stars; one submission).

Conditions:
Sphingolipid activator protein 1 deficiency. Also called: Metachromatic leukodystrophy due to saposin B deficiency; Saposin B Deficiency; METACHROMATIC LEUKODYSTROPHY DUE TO CEREBROSIDE SULFATASE ACTIVATOR DEFICIENCY. Identifiers: Orphanet 512, MedGen C0268262, MONDO:0009590, OMIM 249900.

Allele frequency attached by ClinVar (database versions not stated): TOPMed below 0.00001; gnomAD 0.00001.
gnomAD v4.1: 1 of 1,614,074 alleles (0.000062%); highest among the groups gnomAD compares: Non-Finnish European, 0.000085%; no homozygotes.

Submission:

Labcorp Genetics (formerly Invitae), Labcorp
Classification: Likely pathogenic for Sphingolipid activator protein 1 deficiency. Last evaluated: 2022-12-10. Review status: criteria provided, single submitter. Criteria: Invitae Variant Classification Sherloc (09022015). Collection method: clinical testing. Allele origin: germline.
Comment: Algorithms developed to predict the effect of sequence changes on RNA splicing suggest that this variant may disrupt the consensus splice site. In summary, the currently available evidence indicates that the variant is pathogenic, but additional data are needed to prove that conclusively. Therefore, this variant has been classified as Likely Pathogenic. This variant is not present in population databases (gnomAD no frequency). This sequence change affects a donor splice site in intron 6 of the PSAP gene. It is expected to disrupt RNA splicing. Variants that disrupt the donor or acceptor splice site typically lead to a loss of protein function (PMID: 16199547), and loss-of-function variants in PSAP are known to be pathogenic (PMID: 8554069, 11309366, 17616409, 19267410, 30632081). This variant has not been reported in the literature in individuals affected with PSAP-related conditions.

Literature cited by the submitters: PubMed 16199547; PubMed 8554069; PubMed 11309366; PubMed 17616409; PubMed 19267410; PubMed 30632081.

NM_002778.4(PSAP):c.720+1G>A

Gene: PSAP (prosaposin; minus strand). Cytogenetic location: 10q22.1.
Variant type: single nucleotide variant.
Coding change: c.720+1G>A on transcript NM_002778.4 (MANE Select); the canonical splice donor site of the intron after coding-DNA position 720, G replaced by A.
Molecular consequence: splice donor variant.
Genome position (GRCh38, 1-based): chr10:71,828,013, C>T on the plus strand (G>A on the coding strand, the complement: PSAP is on the minus strand). VCF-style: chr10-71828013-C-T. GRCh37 (hg19) VCF-style: chr10-73587770-C-T.
Other names: c.720+1G>A (NM_001042466.3, NM_001042465.3).
Identifiers: ClinVar variation 2819835 (VCV002819835.3), dbSNP rs971589777, ClinGen allele CA209465624.